The following is an entry in ClinVar:

ClinVar aggregate classification (germline): Uncertain significance (1 of 4 stars; one submission).

Conditions:
ZTTK syndrome (ZTTKS). Also called: Zhu-Tokita-Takenouchi-Kim Syndrome; ZTTK MULTIPLE CONGENITAL ANOMALIES-MENTAL RETARDATION SYNDROME. Identifiers: Orphanet 500150, MedGen C4310696, MONDO:0014936, OMIM 617140.

Allele frequency attached by ClinVar (database versions not stated): gnomAD 0.00001.

Submission:

Neuberg Centre For Genomic Medicine, NCGM
Classification: Uncertain significance for ZTTK syndrome. Review status: criteria provided, single submitter. Criteria: ACMG Guidelines, 2015. Collection method: clinical testing. Allele origin: germline. Inheritance: Autosomal dominant inheritance. Affected: yes.
Comment: The observed missense c.3194C>G(p.Ser1065Cys) variant in SON gene has not been reported previously as a pathogenic variant nor a benign variant, to our knowledge. The p.Ser1065Cys variant is absent in gnomAD Exomes. This variant has not been submitted to the ClinVar database. The amino acid change p.Ser1065Cys in SON is predicted as conserved by GERP++ and PhyloP across 100 vertebrates. The amino acid Ser at position 1065 is changed to a Cys changing protein sequence and it might alter its composition and physico-chemical properties. Multiple lines of computational evidence (Polyphen, SIFT and MutationTaster) predict a damaging effect on protein structure and function for this variant. For these reasons, this variant has been classified as a Variant of Uncertain Significance (VUS).

NM_138927.4(SON):c.3194C>G (p.Ser1065Cys)

Gene: SON (SON DNA and RNA binding protein; plus strand). Cytogenetic location: 21q22.11.
Variant type: single nucleotide variant.
Coding change: c.3194C>G on transcript NM_138927.4 (MANE Select); coding-DNA position 3194, C replaced by G.
Protein change: p.Ser1065Cys; replaces serine 1065 with cysteine.
Molecular consequence: missense variant. On other transcripts: non-coding transcript variant (1), intron variant (1).
Genome position (GRCh38, 1-based): chr21:33,552,425, C>G. VCF-style: chr21-33552425-C-G. GRCh37 (hg19) VCF-style: chr21-34924731-C-G.
Other names: c.3194C>G, p.Ser1065Cys (NM_001291411.2, NM_001412133.1, NM_032195.3 and 2 more transcripts); c.245-4731C>G (NM_001291412.3); short protein forms S1065C.
Identifiers: ClinVar variation 3242100 (VCV003242100.1), dbSNP rs2145827430.